The following is an entry in ClinVar:

ClinVar aggregate classification (germline): Uncertain significance (1 of 4 stars; one submission).

Conditions:
Long QT syndrome (LQTS). Identifiers: MedGen C0023976, MeSH D008133, MONDO:0002442. Disease mechanism: loss of function. Inheritance: Various modes of inheritance.

Submission:

Labcorp Genetics (formerly Invitae), Labcorp
Classification: Uncertain significance for Long QT syndrome. Last evaluated: 2022-11-01. Review status: criteria provided, single submitter. Criteria: Invitae Variant Classification Sherloc (09022015). Collection method: clinical testing. Allele origin: germline.
Comment: In summary, the available evidence is currently insufficient to determine the role of this variant in disease. Therefore, it has been classified as a Variant of Uncertain Significance. Advanced modeling of protein sequence and biophysical properties (such as structural, functional, and spatial information, amino acid conservation, physicochemical variation, residue mobility, and thermodynamic stability) performed at Invitae indicates that this missense variant is not expected to disrupt CACNA1C protein function. ClinVar contains an entry for this variant (Variation ID: 1474950). This variant has not been reported in the literature in individuals affected with CACNA1C-related conditions. This variant is not present in population databases (gnomAD no frequency). This sequence change replaces glycine, which is neutral and non-polar, with alanine, which is neutral and non-polar, at codon 21 of the CACNA1C protein (p.Gly21Ala).

NM_000719.7(CACNA1C):c.62G>C (p.Gly21Ala)

Gene: CACNA1C (calcium voltage-gated channel subunit alpha1 C; plus strand). Cytogenetic location: 12p13.33.
Variant type: single nucleotide variant.
Coding change: c.62G>C on transcript NM_000719.7 (MANE Select); coding-DNA position 62, G replaced by C.
Protein change: p.Gly21Ala; replaces glycine 21 with alanine.
Molecular consequence: missense variant.
Genome position (GRCh38, 1-based): chr12:2,115,236, G>C. VCF-style: chr12-2115236-G-C. GRCh37 (hg19) VCF-style: chr12-2224402-G-C.
Other names: c.62G>C, p.Gly21Ala (NM_001129841.2, NM_001129842.2, NM_001129843.2 and 19 more transcripts); short protein forms G21A.
Identifiers: ClinVar variation 1474950 (VCV001474950.6), dbSNP rs868443106, ClinGen allele CA383652860.